The following is an entry in ClinVar:

ClinVar aggregate classification (germline): Uncertain significance (1 of 4 stars; one submission).

gnomAD v4.1: 20 of 1,513,184 alleles (0.0013%); highest among the groups gnomAD compares: Admixed American, 0.023%; 1 homozygote.

Submission:

Women's Health and Genetics/Laboratory Corporation of America, LabCorp
Classification: Uncertain significance. Last evaluated: 2024-12-05. Review status: criteria provided, single submitter. Criteria: LabCorp Variant Classification Summary - May 2015. Collection method: clinical testing. Allele origin: germline.
Comment: Variant summary: TAF4 c.1241G>A (p.Arg414Gln) results in a conservative amino acid change in the encoded protein sequence. Four of five in-silico tools predict a benign effect of the variant on protein function. The variant allele was found at a frequency of 7.2e-05 in 110476 control chromosomes in the gnomAD database, including 1 homozygotes. The available data on variant occurrences in the general population are insufficient to allow any conclusion about variant significance. To our knowledge, no occurrence of c.1241G>A in individuals affected with Intellectual Developmental Disorder, Autosomal Dominant 73 and no experimental evidence demonstrating its impact on protein function have been reported. No submitters have cited clinical-significance assessments for this variant to ClinVar. Based on the evidence outlined above, the variant was classified as uncertain significance.

NM_003185.4(TAF4):c.1241G>A (p.Arg414Gln)

Gene: TAF4 (TATA-box binding protein associated factor 4; minus strand). Cytogenetic location: 20q13.33.
Variant type: single nucleotide variant.
Coding change: c.1241G>A on transcript NM_003185.4 (MANE Select); coding-DNA position 1241, G replaced by A.
Protein change: p.Arg414Gln; replaces arginine 414 with glutamine.
Molecular consequence: missense variant.
Genome position (GRCh38, 1-based): chr20:62,064,570, C>T on the plus strand (G>A on the coding strand, the complement: TAF4 is on the minus strand). VCF-style: chr20-62064570-C-T. GRCh37 (hg19) VCF-style: chr20-60639626-C-T.
Other names: short protein forms R414Q.
Identifiers: ClinVar variation 3768250 (VCV003768250.1).